The following is an entry in ClinVar:

NM_004380.3(CREBBP):c.2438C>T (p.Pro813Leu)

Gene: CREBBP (CREB binding lysine acetyltransferase; minus strand). Cytogenetic location: 16p13.3.
Variant type: single nucleotide variant.
Coding change: c.2438C>T on transcript NM_004380.3 (MANE Select); coding-DNA position 2438, C replaced by T.
Protein change: p.Pro813Leu; replaces proline 813 with leucine.
Molecular consequence: missense variant.
Genome position (GRCh38, 1-based): chr16:3,773,776, G>A on the plus strand (C>T on the coding strand, the complement: CREBBP is on the minus strand). VCF-style: chr16-3773776-G-A. GRCh37 (hg19) VCF-style: chr16-3823777-G-A.
Other names: c.2324C>T, p.Pro775Leu (NM_001079846.1); short protein forms P775L, P813L.
Identifiers: ClinVar variation 975523 (VCV000975523.7), dbSNP rs150767375, ClinGen allele CA7870139.

ClinVar aggregate classification (germline): Conflicting classifications of pathogenicity. Review status: criteria provided, conflicting classifications (1 of 4 stars). 5 submissions from 5 submitters: Uncertain significance (3); Likely benign (1). 1 of the submissions does not count toward it. Last evaluated 2026-01-04.

Conditions:
Intellectual disability. Also called: Intellectual developmental disorder; Intellectual functioning disability; intellectual disabilities. Identifiers: MedGen C3714756, MeSH D008607, MONDO:0001071, HP:0001249.
CREBBP-related disorder. Also called: CREBBP-related condition; CREBBP-related disorders.
Menke-Hennekam syndrome 1 (MKHK1). Identifiers: MedGen C5193034, MONDO:0020763, OMIM 618332.
Rubinstein-Taybi syndrome (RSTS). Identifiers: Orphanet 783, MedGen C0035934, MONDO:0019188.

Allele frequency attached by ClinVar (database versions not stated): gnomAD exomes 0.00001 and 0.00002; ExAC 0.00002; TOPMed 0.00002; gnomAD 0.00003 and 0.00004; ESP Exome Variant Server 0.00008.

Submissions (5):

PreventionGenetics, part of Exact Sciences
Classification: Uncertain significance for CREBBP-related condition. Last evaluated: 2026-01-04. Review status: criteria provided, single submitter. Criteria: ACMG Guidelines, 2015. Collection method: clinical testing. Allele origin: germline.
Comment: The CREBBP c.2438C>T variant is predicted to result in the amino acid substitution p.Pro813Leu. To our knowledge, this variant has not been reported in the literature. This variant is reported in 0.0033% of alleles in individuals of South Asian descent in gnomAD. At this time, the clinical significance of this variant is uncertain due to the absence of conclusive functional and genetic evidence.

Labcorp Genetics (formerly Invitae), Labcorp
Classification: Likely benign for Rubinstein-Taybi syndrome. Last evaluated: 2023-04-11. Review status: criteria provided, single submitter. Criteria: Invitae Variant Classification Sherloc (09022015). Collection method: clinical testing. Allele origin: germline.

GeneDx
Classification: Uncertain significance. Last evaluated: 2022-05-25. Review status: criteria provided, single submitter. Criteria: GeneDx Variant Classification Process June 2021. Collection method: clinical testing. Allele origin: germline. Affected: yes.
Comment: In silico analysis supports that this missense variant has a deleterious effect on protein structure/function; Has not been previously published as pathogenic or benign to our knowledge

Institute of Human Genetics, University Hospital of Duesseldorf
Classification: Uncertain significance for Menke-Hennekam syndrome 1. Review status: criteria provided, single submitter. Criteria: ACMG Guidelines, 2015. Collection method: not provided. Allele origin: germline. Inheritance: Autosomal dominant inheritance. Affected: yes.

Centre de Biologie Pathologie Génétique, Centre Hospitalier Universitaire de Lille
Classification: Likely benign for Intellectual disability. Last evaluated: 2019-01-01. Review status: no assertion criteria provided. Collection method: clinical testing. Allele origin: inherited. Affected: yes. Not counted in ClinVar's aggregate classification.